The following is an entry in ClinVar:

NM_004820.5(CYP7B1):c.910G>A (p.Ala304Thr)

Gene: CYP7B1 (cytochrome P450 family 7 subfamily B member 1; minus strand). Cytogenetic location: 8q12.3.
Variant type: single nucleotide variant.
Coding change: c.910G>A on transcript NM_004820.5 (MANE Select); coding-DNA position 910, G replaced by A.
Protein change: p.Ala304Thr; replaces alanine 304 with threonine.
Molecular consequence: missense variant.
Genome position (GRCh38, 1-based): chr8:64,615,173, C>T on the plus strand (G>A on the coding strand, the complement: CYP7B1 is on the minus strand). VCF-style: chr8-64615173-C-T. GRCh37 (hg19) VCF-style: chr8-65527730-C-T.
Other names: c.910G>A, p.Ala304Thr (NM_001324112.2); short protein forms A304T.
Identifiers: ClinVar variation 653612 (VCV000653612.7), dbSNP rs748070308, ClinGen allele CA4764114.

ClinVar aggregate classification (germline): Uncertain significance. Review status: criteria provided, multiple submitters, no conflicts (2 of 4 stars). 2 submissions from 2 submitters: Uncertain significance (2). Last evaluated 2024-06-30.

Conditions:
Inborn genetic diseases. Identifiers: MedGen C0950123, MeSH D030342.
Spastic paraplegia. Identifiers: MedGen C0037772, HP:0001258.

Allele frequency attached by ClinVar (database versions not stated): gnomAD 0.00001; ExAC 0.00002; gnomAD exomes 0.00002; TOPMed 0.00002.
gnomAD v4.1: 37 of 1,613,406 alleles (0.0023%); highest among the groups gnomAD compares: Middle Eastern, 0.033%; no homozygotes.

Submissions (2):

Ambry Genetics
Classification: Uncertain significance for Inborn genetic diseases. Last evaluated: 2024-06-30. Review status: criteria provided, single submitter. Criteria: Ambry Variant Classification Scheme 2023. Collection method: clinical testing. Allele origin: germline.

Labcorp Genetics (formerly Invitae), Labcorp
Classification: Uncertain significance for Spastic paraplegia. Last evaluated: 2022-06-20. Review status: criteria provided, single submitter. Criteria: Invitae Variant Classification Sherloc (09022015). Collection method: clinical testing. Allele origin: germline.
Comment: This sequence change replaces alanine, which is neutral and non-polar, with threonine, which is neutral and polar, at codon 304 of the CYP7B1 protein (p.Ala304Thr). This variant is present in population databases (rs748070308, gnomAD 0.004%). This variant has not been reported in the literature in individuals affected with CYP7B1-related conditions. ClinVar contains an entry for this variant (Variation ID: 653612). Algorithms developed to predict the effect of missense changes on protein structure and function output the following: SIFT: "Deleterious"; PolyPhen-2: "Benign"; Align-GVGD: "Class C0". The threonine amino acid residue is found in multiple mammalian species, which suggests that this missense change does not adversely affect protein function. In summary, the available evidence is currently insufficient to determine the role of this variant in disease. Therefore, it has been classified as a Variant of Uncertain Significance.